The following is an entry in ClinVar:

ClinVar aggregate classification (germline): Benign/Likely benign. Review status: criteria provided, multiple submitters, no conflicts (2 of 4 stars). 3 submissions from 3 submitters: Benign (2); Likely benign (1). Last evaluated 2025-12-31.

Conditions:
Factor VII deficiency. Also called: Factor 7 deficiency; F7 DEFICIENCY; HYPOPROCONVERTINEMIA. Identifiers: MedGen C0015503, MeSH D005168, MONDO:0002244.

Allele frequency attached by ClinVar (database versions not stated): gnomAD 0.00046 and 0.00066; TOPMed 0.00068; 1000 Genomes Project 30x 0.00531; 1000 Genomes Project 0.00559.
gnomAD v4.1: 552 of 1,613,250 alleles (0.034%); highest among the groups gnomAD compares: East Asian, 1%; 6 homozygotes.

Submissions (3):

Labcorp Genetics (formerly Invitae), Labcorp
Classification: Benign. Last evaluated: 2025-12-31. Review status: criteria provided, single submitter. Criteria: Invitae Variant Classification Sherloc (09022015). Collection method: clinical testing. Allele origin: germline.

Blueprint Genetics
Classification: Likely benign. Last evaluated: 2024-10-30. Review status: criteria provided, single submitter. Criteria: ACMG Guidelines, 2015. Collection method: clinical testing. Allele origin: germline.

Illumina Laboratory Services, Illumina
Classification: Benign for Congenital factor VII deficiency. Last evaluated: 2018-01-12. Review status: criteria provided, single submitter. Criteria: ICSL Variant Classification Criteria 13 December 2019. Collection method: clinical testing. Allele origin: germline.
Comment: This variant was observed in the ICSL laboratory as part of a predisposition screen in an ostensibly healthy population. It had not been previously curated by ICSL or reported in the Human Gene Mutation Database (HGMD: prior to June 1st, 2018), and was therefore a candidate for classification through an automated scoring system. Utilizing variant allele frequency, disease prevalence and penetrance estimates, and inheritance mode, an automated score was calculated to assess if this variant is too frequent to cause the disease. Based on the score and internal cut-off values, a variant classified as benign is not then subjected to further curation. The score for this variant resulted in a classification of benign for this disease.

NM_019616.4(F7):c.483C>T (p.Asp161=)

Gene: F7 (coagulation factor VII; plus strand). Cytogenetic location: 13q34.
Variant type: single nucleotide variant.
Coding change: c.483C>T on transcript NM_019616.4 (MANE Select); coding-DNA position 483, C replaced by T.
Protein change: p.Asp161=; no amino-acid change (aspartic acid 161 retained).
Molecular consequence: synonymous variant. On other transcripts: non-coding transcript variant (1).
Genome position (GRCh38, 1-based): chr13:113,115,778, C>T. VCF-style: chr13-113115778-C-T. GRCh37 (hg19) VCF-style: chr13-113770092-C-T.
Other names: c.549C>T, p.Asp183= (NM_000131.5); c.297C>T, p.Asp99= (NM_001267554.2).
Identifiers: ClinVar variation 717319 (VCV000717319.9), dbSNP rs6040, ClinGen allele CA7059980.
Genomic context (GRCh38, chr13:113,115,778, plus strand): 5'-TGACCACACGGGCACCAAGCGCTCCTGTCGGTGCCACGAGGGGTACTCTCTGCTGGCAGA[C>T]GGGGTGTCCTGCACACCCACAGGTGACCAGGCTTCATGTCCCAGTCCCAGATGACACCAG-3'
Protein context (NP_062562.1, residues 151-171): RCHEGYSLLA[Asp161=]GVSCTPTVEY